The following is an entry in ClinVar:

ClinVar aggregate classification (germline): Uncertain significance (1 of 4 stars; one submission).

Conditions:
Multiple congenital anomalies-hypotonia-seizures syndrome 2 (MCAHS2). Also called: GLYCOSYLPHOSPHATIDYLINOSITOL BIOSYNTHESIS DEFECT 4; EPILEPTIC ENCEPHALOPATHY, EARLY INFANTILE, 20. Identifiers: Orphanet 300496, MedGen C3275508, MONDO:0010466, OMIM 300868.

Allele frequency attached by ClinVar (database versions not stated): gnomAD exomes below 0.00001.

Submission:

Labcorp Genetics (formerly Invitae), Labcorp
Classification: Uncertain significance for Multiple congenital anomalies-hypotonia-seizures syndrome 2. Last evaluated: 2022-12-23. Review status: criteria provided, single submitter. Criteria: Invitae Variant Classification Sherloc (09022015). Collection method: clinical testing. Allele origin: germline.
Comment: In summary, the available evidence is currently insufficient to determine the role of this variant in disease. Therefore, it has been classified as a Variant of Uncertain Significance. Advanced modeling of protein sequence and biophysical properties (such as structural, functional, and spatial information, amino acid conservation, physicochemical variation, residue mobility, and thermodynamic stability) performed at Invitae indicates that this missense variant is not expected to disrupt PIGA protein function. This variant has not been reported in the literature in individuals affected with PIGA-related conditions. This variant is not present in population databases (gnomAD no frequency). This sequence change replaces glutamine, which is neutral and polar, with arginine, which is basic and polar, at codon 148 of the PIGA protein (p.Gln148Arg).

NM_002641.4(PIGA):c.443A>G (p.Gln148Arg)

Gene: PIGA (phosphatidylinositol glycan anchor biosynthesis class A; minus strand). Cytogenetic location: Xp22.2.
Variant type: single nucleotide variant.
Coding change: c.443A>G on transcript NM_002641.4 (MANE Select); coding-DNA position 443, A replaced by G.
Protein change: p.Gln148Arg; replaces glutamine 148 with arginine.
Molecular consequence: missense variant. On other transcripts: intron variant (1).
Genome position (GRCh38, 1-based): chrX:15,331,488, T>C on the plus strand (A>G on the coding strand, the complement: PIGA is on the minus strand). VCF-style: chrX-15331488-T-C. GRCh37 (hg19) VCF-style: chrX-15349610-T-C.
Other names: c.13+4013A>G (NM_020473.3); short protein forms Q148R.
Identifiers: ClinVar variation 2808985 (VCV002808985.3), dbSNP rs1602212063, ClinGen allele CA412339865.